The following is an entry in ClinVar:

NM_000268.4(NF2):c.241-5T>C

Gene: NF2 (NF2, moesin-ezrin-radixin like (MERLIN) tumor suppressor; plus strand). Cytogenetic location: 22q12.2.
Variant type: single nucleotide variant.
Coding change: c.241-5T>C on transcript NM_000268.4 (MANE Select); 5 bases into the intron before coding-DNA position 241, T replaced by C.
Molecular consequence: intron variant.
Genome position (GRCh38, 1-based): chr22:29,639,085, T>C. VCF-style: chr22-29639085-T-C. GRCh37 (hg19) VCF-style: chr22-30035074-T-C.
Other names: c.241-5T>C (NM_016418.5, NM_181832.3, NM_181833.3 and 1 more transcripts); c.240+2209T>C (NM_181829.3); c.115-5T>C (NM_181828.3); c.115-3117T>C (NM_181830.3, NM_181831.3).
Identifiers: ClinVar variation 757172 (VCV000757172.11), dbSNP rs1378725834, ClinGen allele CA752291537.

ClinVar aggregate classification (germline): Conflicting classifications of pathogenicity. Review status: criteria provided, conflicting classifications (1 of 4 stars). 2 submissions from 2 submitters: Uncertain significance (1); Likely benign (1). Last evaluated 2024-06-17.

Conditions:
Hereditary cancer-predisposing syndrome. Also called: Tumor predisposition; Hereditary Cancer Syndrome; Hereditary neoplastic syndrome; Neoplastic Syndromes, Hereditary. Identifiers: Orphanet 140162, MedGen C0027672, MeSH D009386, MONDO:0015356.
Neurofibromatosis, type 2 (SWNV). Also called: BILATERAL ACOUSTIC NEUROFIBROMATOSIS; NF2-Related Schwannomatosis; SCHWANNOMATOSIS, VESTIBULAR. Identifiers: Orphanet 637, MedGen C0027832, MONDO:0007039, OMIM 101000. Disease mechanism: loss of function.

Allele frequency attached by ClinVar (database versions not stated): gnomAD exomes below 0.00001; gnomAD 0.00001; TOPMed 0.00001.
gnomAD v4.1: 3 of 1,614,146 alleles (0.00019%); highest among the groups gnomAD compares: African/African-American, 0.0027%; no homozygotes.

Submissions (2):

Ambry Genetics
Classification: Uncertain significance for Hereditary cancer-predisposing syndrome. Last evaluated: 2024-06-17. Review status: criteria provided, single submitter. Criteria: Ambry Variant Classification Scheme 2023. Collection method: clinical testing. Allele origin: germline.
Comment: The c.241-5T>C intronic variant results from a T to C substitution 5 nucleotides upstream from coding exon 3 in the NF2 gene. This nucleotide position is not well conserved in available vertebrate species. In silico splice site analysis predicts that this alteration will not have any significant effect on splicing. Based on the available evidence, the clinical significance of this variant remains unclear.

Labcorp Genetics (formerly Invitae), Labcorp
Classification: Likely benign for Neurofibromatosis, type 2. Last evaluated: 2022-07-21. Review status: criteria provided, single submitter. Criteria: Invitae Variant Classification Sherloc (09022015). Collection method: clinical testing. Allele origin: germline.